The following is an entry in ClinVar:

ClinVar aggregate classification (germline): Uncertain significance (1 of 4 stars; one submission).

Conditions:
Epileptic encephalopathy. Identifiers: MedGen C0543888, HP:0200134.

Allele frequency attached by ClinVar (database versions not stated): gnomAD 0.00001 and 0.00002; ExAC 0.00002.
gnomAD v4.1: 32 of 1,609,320 alleles (0.002%); highest among the groups gnomAD compares: East Asian, 0.0067%; no homozygotes.

Submission:

Labcorp Genetics (formerly Invitae), Labcorp
Classification: Uncertain significance for Epileptic encephalopathy. Last evaluated: 2020-11-04. Review status: criteria provided, single submitter. Criteria: Invitae Variant Classification Sherloc (09022015). Collection method: clinical testing. Allele origin: germline.
Comment: In summary, the available evidence is currently insufficient to determine the role of this variant in disease. Therefore, it has been classified as a Variant of Uncertain Significance. Algorithms developed to predict the effect of missense changes on protein structure and function are either unavailable or do not agree on the potential impact of this missense change (SIFT: "Deleterious"; PolyPhen-2: "Probably Damaging"; Align-GVGD: "Class C0"). This variant has not been reported in the literature in individuals with RYR3-related conditions. This variant is present in population databases (rs776257846, ExAC 0.006%). This sequence change replaces arginine with histidine at codon 375 of the RYR3 protein (p.Arg375His). The arginine residue is highly conserved and there is a small physicochemical difference between arginine and histidine.

NM_001036.6(RYR3):c.1124G>A (p.Arg375His)

Gene: RYR3 (ryanodine receptor 3; plus strand). Cytogenetic location: 15q14.
Variant type: single nucleotide variant.
Coding change: c.1124G>A on transcript NM_001036.6 (MANE Select); coding-DNA position 1124, G replaced by A.
Protein change: p.Arg375His; replaces arginine 375 with histidine.
Molecular consequence: missense variant.
Genome position (GRCh38, 1-based): chr15:33,562,988, G>A. VCF-style: chr15-33562988-G-A. GRCh37 (hg19) VCF-style: chr15-33855189-G-A.
Other names: c.1124G>A, p.Arg375His (NM_001243996.4); short protein forms R375H.
Identifiers: ClinVar variation 1497039 (VCV001497039.8), dbSNP rs776257846, ClinGen allele CA7458025.
Genomic context (GRCh38, chr15:33,562,988, plus strand): 5'-TGCAGCATATAGCCAGTGGTCTGTGGGTGACCTACAAAGCACAAGACGCCAAAACTTCCC[G>A]CCTGGGACCTCTAAAAAGAAAGGTGAGAGTCAGAATATCTGTCTACAATTGTTTTACCCT-3'
Protein context (NP_001027.3, residues 365-385): TYKAQDAKTS[Arg375His]LGPLKRKVIL